The following is an entry in ClinVar:

NM_000064.4(C3):c.3049G>A (p.Gly1017Ser)

Gene: C3 (complement C3; minus strand). Cytogenetic location: 19p13.3.
Variant type: single nucleotide variant.
Coding change: c.3049G>A on transcript NM_000064.4 (MANE Select); coding-DNA position 3049, G replaced by A.
Protein change: p.Gly1017Ser; replaces glycine 1017 with serine.
Molecular consequence: missense variant.
Genome position (GRCh38, 1-based): chr19:6,694,536, C>T on the plus strand (G>A on the coding strand, the complement: C3 is on the minus strand). VCF-style: chr19-6694536-C-T. GRCh37 (hg19) VCF-style: chr19-6694547-C-T.
Other names: short protein forms G1017S.
Identifiers: ClinVar variation 2799047 (VCV002799047.3), dbSNP rs757640085, ClinGen allele CA403628954.

ClinVar aggregate classification (germline): Uncertain significance (1 of 4 stars; one submission).

Submission:

Labcorp Genetics (formerly Invitae), Labcorp
Classification: Uncertain significance. Last evaluated: 2025-07-29. Review status: criteria provided, single submitter. Criteria: Invitae Variant Classification Sherloc (09022015). Collection method: clinical testing. Allele origin: germline.
Comment: This sequence change replaces glycine, which is neutral and non-polar, with serine, which is neutral and polar, at codon 1017 of the C3 protein (p.Gly1017Ser). This variant is not present in population databases (gnomAD no frequency). This variant has not been reported in the literature in individuals affected with C3-related conditions. ClinVar contains an entry for this variant (Variation ID: 2799047). Invitae Evidence Modeling of protein sequence and biophysical properties (such as structural, functional, and spatial information, amino acid conservation, physicochemical variation, residue mobility, and thermodynamic stability) indicates that this missense variant is not expected to disrupt C3 protein function with a negative predictive value of 80%. In summary, the available evidence is currently insufficient to determine the role of this variant in disease. Therefore, it has been classified as a Variant of Uncertain Significance.